The following is an entry in ClinVar:

ClinVar aggregate classification (germline): Benign/Likely benign. Review status: criteria provided, multiple submitters, no conflicts (2 of 4 stars). 9 submissions from 9 submitters: Benign (6); Likely benign (2). 1 of the submissions does not count toward it. Last evaluated 2026-01-27.

Conditions:
CDKL5 disorder. Identifiers: MedGen CN296942, MONDO:0100039.
Inborn genetic diseases. Identifiers: MedGen C0950123, MeSH D030342.
Angelman syndrome-like. Identifiers: MedGen CN128785.
Developmental and epileptic encephalopathy, 2 (DEE2). Also called: CDKL5 deficiency disorder; INFANTILE SPASM SYNDROME, X-LINKED 2. Identifiers: Orphanet 1934, Orphanet 3451, Orphanet 505652, MedGen C4750718, MONDO:0010396, OMIM 300672.

Allele frequency attached by ClinVar (database versions not stated): gnomAD 0.00029; gnomAD exomes 0.00044 and 0.00020; ESP Exome Variant Server 0.00047; ExAC 0.00023; TOPMed 0.00027.
gnomAD v4.1: 525 of 1,207,197 alleles (0.043%); highest among the groups gnomAD compares: Non-Finnish European, 0.055%; no homozygotes.

Submissions (9):

Labcorp Genetics (formerly Invitae), Labcorp
Classification: Benign for Developmental and epileptic encephalopathy, 2; Angelman syndrome-like. Last evaluated: 2026-01-27. Review status: criteria provided, single submitter. Criteria: Invitae Variant Classification Sherloc (09022015). Collection method: clinical testing. Allele origin: germline.

Blueprint Genetics
Classification: Likely benign. Last evaluated: 2024-09-13. Review status: criteria provided, single submitter. Criteria: ACMG Guidelines, 2015. Collection method: clinical testing. Allele origin: germline.

Centre for Population Genomics, CPG
Classification: Benign for CDKL5 disorder. Last evaluated: 2024-07-12. Review status: criteria provided, single submitter. Criteria: McKnight et al. (Hum Mutat. 2022). Collection method: curation. Allele origin: germline. Inheritance: X-linked inheritance.
Comment: This variant has been collected from RettBASE and curated to current modified ACMG/AMP criteria. Based on the classification scheme defined by the ClinGen Rett/Angelman-like Expert Panel for Rett/AS-like Disorders Specifications to the ACMG/AMP Variant Interpretation Guidelines VCEP 3.0, this variant is classified as benign. At least the following criteria are met: The allele frequency of this variant in at least one population in gnomAD v2/3 is higher than the 0.03% threshold defined by the ClinGen Rett/Angelman-like Expert Panel for Rett/AS-like Disorders VCEP 3.0 (BA1).

Athena Diagnostics
Classification: Benign. Last evaluated: 2019-04-05. Review status: criteria provided, single submitter. Criteria: Athena Diagnostics Criteria. Collection method: clinical testing. Allele origin: germline.

Eurofins Ntd Llc (ga)
Classification: Benign. Last evaluated: 2017-06-15. Review status: criteria provided, single submitter. Criteria: EGL Classification Definitions 2015. Collection method: clinical testing. Allele origin: germline. Observed: 1 variant allele, 1 heterozygote.

Ambry Genetics
Classification: Benign for Inborn genetic diseases. Last evaluated: 2017-05-17. Review status: criteria provided, single submitter. Criteria: Ambry Variant Classification Scheme 2023. Collection method: clinical testing. Allele origin: germline.

Genetic Services Laboratory, University of Chicago
Classification: Likely benign. Last evaluated: 2015-08-10. Review status: criteria provided, single submitter. Criteria: ACMG Guidelines, 2015. Collection method: clinical testing. Allele origin: germline.

GeneDx
Classification: Benign. Last evaluated: 2014-03-19. Review status: criteria provided, single submitter. Criteria: GeneDx Variant Classification (06012015). Collection method: clinical testing. Allele origin: germline. Affected: yes.
Comment: This variant is considered likely benign or benign based on one or more of the following criteria: it is a conservative change, it occurs at a poorly conserved position in the protein, it is predicted to be benign by multiple in silico algorithms, and/or has population frequency not consistent with disease.

RettBASE
Classification: Benign. Last evaluated: 2014-03-13. Review status: no assertion criteria provided. Collection method: curation. Allele origin: unknown. Observed: 2 variant alleles. Not counted in ClinVar's aggregate classification.

Literature cited by the submitters: PubMed 23064044 (cited by Athena Diagnostics and RettBASE).

NM_001323289.2(CDKL5):c.1431T>C (p.Ser477=)

Gene: CDKL5 (cyclin dependent kinase like 5; plus strand). Cytogenetic location: Xp22.13.
Variant type: single nucleotide variant.
Coding change: c.1431T>C on transcript NM_001323289.2 (MANE Select); coding-DNA position 1431, T replaced by C.
Protein change: p.Ser477=; no amino-acid change (serine 477 retained).
Molecular consequence: synonymous variant.
Genome position (GRCh38, 1-based): chrX:18,604,355, T>C. VCF-style: chrX-18604355-T-C. GRCh37 (hg19) VCF-style: chrX-18622475-T-C.
Other names: p.S477S:TCT>TCC; NM_001323289.2(CDKL5):c.1431T>C; p.Ser477=; c.1431T>C, p.Ser477= (NM_001037343.2, NM_003159.3).
Identifiers: ClinVar variation 136712 (VCV000136712.28), dbSNP rs143992148, ClinGen allele CA199329.
Genomic context (GRCh38, chrX:18,604,355, plus strand): 5'-ACTGCAGCCCAATGAAAAGCAGAGTCGGCATAGCTATATTGACACAATTCCCCAGTCCTC[T>C]AGGAGTCCCTCCTACAGGACCAAGGCCAAAAGCCATGGGGCACTGAGTGACTCCAAGTCT-3'
Protein context (NP_001310218.1, residues 467-487): HSYIDTIPQS[Ser477=]RSPSYRTKAK